The following is an entry in ClinVar:

ClinVar aggregate classification (germline): Uncertain significance (1 of 4 stars; one submission).

Conditions:
Neuronal ceroid lipofuscinosis 7 (CLN7). Also called: MFSD8-Related Neuronal Ceroid-Lipofuscinosis. Identifiers: Orphanet 168491, Orphanet 228366, MedGen C1838571, MONDO:0012588, OMIM 610951.

gnomAD v4.1: 3 of 1,611,476 alleles (0.00019%); highest among the groups gnomAD compares: East Asian, 0.0022%; no homozygotes.

Submission:

Labcorp Genetics (formerly Invitae), Labcorp
Classification: Uncertain significance for Neuronal ceroid lipofuscinosis 7. Last evaluated: 2022-07-26. Review status: criteria provided, single submitter. Criteria: Invitae Variant Classification Sherloc (09022015). Collection method: clinical testing. Allele origin: germline.
Comment: This sequence change replaces leucine, which is neutral and non-polar, with proline, which is neutral and non-polar, at codon 232 of the MFSD8 protein (p.Leu232Pro). This variant is not present in population databases (gnomAD no frequency). This variant has not been reported in the literature in individuals affected with MFSD8-related conditions. Algorithms developed to predict the effect of missense changes on protein structure and function are either unavailable or do not agree on the potential impact of this missense change (SIFT: "Deleterious"; PolyPhen-2: "Probably Damaging"; Align-GVGD: "Class C0"). In summary, the available evidence is currently insufficient to determine the role of this variant in disease. Therefore, it has been classified as a Variant of Uncertain Significance.

NM_001371596.2(MFSD8):c.695T>C (p.Leu232Pro)

Gene: MFSD8 (major facilitator superfamily domain containing 8; minus strand). Cytogenetic location: 4q28.2.
Variant type: single nucleotide variant.
Coding change: c.695T>C on transcript NM_001371596.2 (MANE Select); coding-DNA position 695, T replaced by C.
Protein change: p.Leu232Pro; replaces leucine 232 with proline.
Molecular consequence: missense variant. On other transcripts: intron variant (5).
Genome position (GRCh38, 1-based): chr4:127,939,856, A>G on the plus strand (T>C on the coding strand, the complement: MFSD8 is on the minus strand). VCF-style: chr4-127939856-A-G. GRCh37 (hg19) VCF-style: chr4-128861011-A-G.
Other names: c.560T>C, p.Leu187Pro (NM_001371590.2); c.695T>C, p.Leu232Pro (NM_001371591.2, NM_152778.4); c.701T>C, p.Leu234Pro (NM_001371592.2); c.581T>C, p.Leu194Pro (NM_001371593.2, NM_001410766.1); c.419-1020T>C (NM_001371595.1); c.304+3896T>C (NM_001410765.1); c.439+3896T>C (NM_001363521.3); c.553+2189T>C (NM_001363520.3); and 1 more; short protein forms L187P, L194P, L232P, L234P.
Identifiers: ClinVar variation 2415660 (VCV002415660.8), dbSNP rs2148907133, ClinGen allele CA358175308.